The following is an entry in ClinVar:

ClinVar aggregate classification (germline): Likely benign (1 of 4 stars; one submission).

Allele frequency attached by ClinVar (database versions not stated): gnomAD exomes 0.00002; TOPMed 0.00003; gnomAD 0.00005; ExAC 0.00006.
gnomAD v4.1: 36 of 1,613,652 alleles (0.0022%); highest among the groups gnomAD compares: East Asian, 0.022%; no homozygotes.

Submission:

CeGaT Center for Human Genetics Tuebingen
Classification: Likely benign. Last evaluated: 2026-07-01. Review status: criteria provided, single submitter. Criteria: CeGaT Center For Human Genetics Tuebingen Variant Classification Criteria Version 2. Collection method: clinical testing. Allele origin: germline. Affected: yes. Observed: 2 variant alleles.
Comment: SMARCB1: BP4

NM_003073.5(SMARCB1):c.500+58C>T

Gene: SMARCB1 (SWI/SNF related BAF chromatin remodeling complex subunit B1; plus strand). Cytogenetic location: 22q11.23.
Variant type: single nucleotide variant.
Coding change: c.500+58C>T on transcript NM_003073.5 (MANE Select); 58 bases into the intron after coding-DNA position 500, C replaced by T.
Molecular consequence: intron variant.
Genome position (GRCh38, 1-based): chr22:23,801,139, C>T. VCF-style: chr22-23801139-C-T. GRCh37 (hg19) VCF-style: chr22-24143326-C-T.
Other names: c.554+4C>T (NM_001362877.2); c.527+4C>T (NM_001317946.2); c.473+58C>T (NM_001007468.3).
Identifiers: ClinVar variation 3025199 (VCV003025199.22), dbSNP rs12160092, ClinGen allele CA10145936.
Genomic context (GRCh38, chr22:23,801,139, plus strand): 5'-TTGGTGTGGATGCATCGCTGCACTCACCCTCCGTGCTGATTCCGCCTTAGTTCTCCAGCA[C>T]GTTTCAGTTCCTTCCTCCCCAGAAAAACACTCTGCTTTGACCTTGTGCTCCCCACAACGC-3'